The following is an entry in ClinVar:

NM_000093.5(COL5A1):c.3583-16G>A

Gene: COL5A1 (collagen type V alpha 1 chain; plus strand). Cytogenetic location: 9q34.3.
Variant type: single nucleotide variant.
Coding change: c.3583-16G>A on transcript NM_000093.5 (MANE Select); 16 bases into the intron before coding-DNA position 3583, G replaced by A.
Molecular consequence: intron variant.
Genome position (GRCh38, 1-based): chr9:134,811,476, G>A. VCF-style: chr9-134811476-G-A. GRCh37 (hg19) VCF-style: chr9-137703322-G-A.
Other names: c.3583-16G>A (NM_001278074.1).
Identifiers: ClinVar variation 4687632 (VCV004687632.1).

ClinVar aggregate classification (germline): Uncertain significance (1 of 4 stars; one submission).

gnomAD v4.1: 1 of 1,613,722 alleles (0.000062%); highest among the groups gnomAD compares: East Asian, 0.0022%; no homozygotes.

Submission:

Women's Health and Genetics/Laboratory Corporation of America, LabCorp
Classification: Uncertain significance. Last evaluated: 2025-10-01. Review status: criteria provided, single submitter. Criteria: LabCorp Variant Classification Summary - May 2015. Collection method: clinical testing. Allele origin: germline.
Comment: Variant summary: COL5A1 c.3583-16G>A alters a nucleotide located at a position not widely known to affect splicing. Several computational tools predict a significant impact on normal splicing: Two predict the variant weakens a 3' acceptor site. One predict the variant no significant impact on splicing. However, these predictions have yet to be confirmed by functional studies. The variant was absent in 248868 control chromosomes. The available data on variant occurrences in the general population are insufficient to allow any conclusion about variant significance. To our knowledge, no occurrence of c.3583-16G>A in individuals affected with COL5A1-related conditions and no experimental evidence demonstrating its impact on protein function have been reported. No submitters have cited clinical-significance assessments for this variant to ClinVar. Based on the evidence outlined above, the variant was classified as uncertain significance.